The following is an entry in ClinVar:

NM_000191.3(HMGCL):c.497+19G>A

Gene: HMGCL (3-hydroxy-3-methylglutaryl-CoA lyase; minus strand). Cytogenetic location: 1p36.11.
Variant type: single nucleotide variant.
Coding change: c.497+19G>A on transcript NM_000191.3 (MANE Select); 19 bases into the intron after coding-DNA position 497, G replaced by A.
Molecular consequence: intron variant.
Genome position (GRCh38, 1-based): chr1:23,814,171, C>T on the plus strand (G>A on the coding strand, the complement: HMGCL is on the minus strand). VCF-style: chr1-23814171-C-T. GRCh37 (hg19) VCF-style: chr1-24140661-C-T.
Other names: c.348+2504G>A (NM_001166059.2).
Identifiers: ClinVar variation 509201 (VCV000509201.9), dbSNP rs187735179, ClinGen allele CA686086.

ClinVar aggregate classification (germline): Benign/Likely benign. Review status: criteria provided, multiple submitters, no conflicts (2 of 4 stars). 3 submissions from 3 submitters: Benign (2); Likely benign (1). Last evaluated 2026-01-27.

Conditions:
Deficiency of hydroxymethylglutaryl-CoA lyase (HMGCLD). Also called: HMGCL DEFICIENCY; HYDROXYMETHYLGLUTARIC ACIDURIA; Defect in leucine metabolism; 3-hydroxy-3-methylglutaric aciduria; HMG-CoA LYASE DEFICIENCY. Identifiers: Orphanet 20, MedGen C1533587, MONDO:0009520, OMIM 246450.

Allele frequency attached by ClinVar (database versions not stated): gnomAD exomes 0.00015 and 0.00042; ExAC 0.00049; 1000 Genomes Project 0.00140; 1000 Genomes Project 30x 0.00141; TOPMed 0.00148; gnomAD 0.00158 and 0.00172; ESP Exome Variant Server 0.00192.
gnomAD v4.1: 479 of 1,612,754 alleles (0.03%); highest among the groups gnomAD compares: African/African-American, 0.55%; 1 homozygote.

Submissions (3):

Labcorp Genetics (formerly Invitae), Labcorp
Classification: Benign for Deficiency of hydroxymethylglutaryl-CoA lyase. Last evaluated: 2026-01-27. Review status: criteria provided, single submitter. Criteria: Invitae Variant Classification Sherloc (09022015). Collection method: clinical testing. Allele origin: germline.

Genome-Nilou Lab
Classification: Benign for Deficiency of hydroxymethylglutaryl-CoA lyase. Last evaluated: 2023-04-11. Review status: criteria provided, single submitter. Criteria: ACMG Guidelines, 2015. Collection method: clinical testing. Allele origin: germline. Affected: no.

GeneDx
Classification: Likely benign. Last evaluated: 2018-03-05. Review status: criteria provided, single submitter. Criteria: GeneDx Variant Classification (06012015). Collection method: clinical testing. Allele origin: germline. Affected: yes.
Comment: This variant is considered likely benign or benign based on one or more of the following criteria: it is a conservative change, it occurs at a poorly conserved position in the protein, it is predicted to be benign by multiple in silico algorithms, and/or has population frequency not consistent with disease.